The following is an entry in ClinVar:

ClinVar aggregate classification (germline): Uncertain significance (1 of 4 stars; one submission).

Conditions:
Early Myoclonic Encephalopathy. Identifiers: MedGen C0270855.

Allele frequency attached by ClinVar (database versions not stated): ExAC 0.00001.

Submission:

Labcorp Genetics (formerly Invitae), Labcorp
Classification: Uncertain significance for Early Myoclonic Encephalopathy. Last evaluated: 2023-12-13. Review status: criteria provided, single submitter. Criteria: Invitae Variant Classification Sherloc (09022015). Collection method: clinical testing. Allele origin: germline.
Comment: This sequence change replaces lysine, which is basic and polar, with isoleucine, which is neutral and non-polar, at codon 354 of the JMJD1C protein (p.Lys354Ile). This variant is present in population databases (rs749756834, gnomAD 0.004%). This variant has not been reported in the literature in individuals affected with JMJD1C-related conditions. An algorithm developed to predict the effect of missense changes on protein structure and function (PolyPhen-2) suggests that this variant is likely to be disruptive. In summary, the available evidence is currently insufficient to determine the role of this variant in disease. Therefore, it has been classified as a Variant of Uncertain Significance.

NM_032776.3(JMJD1C):c.1061A>T (p.Lys354Ile)

Gene: JMJD1C (jumonji domain containing 1C; minus strand). Cytogenetic location: 10q21.3.
Variant type: single nucleotide variant.
Coding change: c.1061A>T on transcript NM_032776.3 (MANE Select); coding-DNA position 1061, A replaced by T.
Protein change: p.Lys354Ile; replaces lysine 354 with isoleucine.
Molecular consequence: missense variant. On other transcripts: non-coding transcript variant (1).
Genome position (GRCh38, 1-based): chr10:63,215,106, T>A on the plus strand (A>T on the coding strand, the complement: JMJD1C is on the minus strand). VCF-style: chr10-63215106-T-A. GRCh37 (hg19) VCF-style: chr10-64974866-T-A.
Other names: c.515A>T, p.Lys172Ile (NM_001282948.2, NM_001318154.2); c.197A>T, p.Lys66Ile (NM_001318153.2); c.947A>T, p.Lys316Ile (NM_001322252.2); c.404A>T, p.Lys135Ile (NM_001322254.2, NM_001322258.2); short protein forms K354I, K66I, K135I, K172I, K316I.
Identifiers: ClinVar variation 2919055 (VCV002919055.3), dbSNP rs749756834, ClinGen allele CA5518867.